The following is an entry in ClinVar:

ClinVar aggregate classification (germline): Uncertain significance. Review status: criteria provided, multiple submitters, no conflicts (2 of 4 stars). 2 submissions from 2 submitters: Uncertain significance (2). Last evaluated 2025-11-04.

Conditions:
Acromesomelic dysplasia 1, Maroteaux type (AMD1). Also called: ST. HELENA DYSPLASIA; ACROMESOMELIC DYSPLASIA 1. Identifiers: Orphanet 40, MedGen C1864356, MONDO:0011275, OMIM 602875.
Tall stature-scoliosis-macrodactyly of the great toes syndrome. Also called: Epiphyseal chondrodysplasia, miura type. Identifiers: Orphanet 329191, MedGen C4014690, MONDO:0014401, OMIM 615923.
Short stature with nonspecific skeletal abnormalities. Identifiers: MedGen C4225399, MONDO:0975810.

Allele frequency attached by ClinVar (database versions not stated): TOPMed 0.00001.

Submissions (2):

Labcorp Genetics (formerly Invitae), Labcorp
Classification: Uncertain significance for Tall stature-scoliosis-macrodactyly of the great toes syndrome; Acromesomelic dysplasia 1, Maroteaux type. Last evaluated: 2025-11-04. Review status: criteria provided, single submitter. Criteria: Invitae Variant Classification Sherloc (09022015). Collection method: clinical testing. Allele origin: germline.
Comment: This sequence change replaces arginine, which is basic and polar, with histidine, which is basic and polar, at codon 495 of the NPR2 protein (p.Arg495His). This variant is present in population databases (no rsID available, gnomAD 0.003%). This variant has not been reported in the literature in individuals affected with NPR2-related conditions. ClinVar contains an entry for this variant (Variation ID: 2444240). Invitae Evidence Modeling of protein sequence and biophysical properties (such as structural, functional, and spatial information, amino acid conservation, physicochemical variation, residue mobility, and thermodynamic stability) indicates that this missense variant is not expected to disrupt NPR2 protein function with a negative predictive value of 80%. In summary, the available evidence is currently insufficient to determine the role of this variant in disease. Therefore, it has been classified as a Variant of Uncertain Significance.

3billion
Classification: Uncertain significance for Short stature with nonspecific skeletal abnormalities 1. Last evaluated: 2023-02-23. Review status: criteria provided, single submitter. Criteria: ACMG Guidelines, 2015. Collection method: clinical testing. Allele origin: unknown. Affected: yes.
Comment: The variant is observed at an extremely low frequency in the gnomAD v2.1.1 dataset (total allele frequency: <0.001%). The variant is located in a mutational hot spot and/or well-established functional domain in which established pathogenic variants have been reported. A different missense change at the same codon (p.Arg495Cys) has been reported to be associated with NPR2 related disorder (PMID: 31960617). However the evidence of pathogenicity is insufficient at this time. Therefore, this variant is classified as VUS according to the recommendation of ACMG/AMP guideline.

Literature cited by the submitters: PubMed 31960617 (cited by 3billion).

NM_003995.4(NPR2):c.1484G>A (p.Arg495His)

Gene: NPR2 (natriuretic peptide receptor 2; plus strand). Cytogenetic location: 9p13.3.
Variant type: single nucleotide variant.
Coding change: c.1484G>A on transcript NM_003995.4 (MANE Select); coding-DNA position 1484, G replaced by A.
Protein change: p.Arg495His; replaces arginine 495 with histidine.
Molecular consequence: missense variant.
Genome position (GRCh38, 1-based): chr9:35,801,690, G>A. VCF-style: chr9-35801690-G-A. GRCh37 (hg19) VCF-style: chr9-35801687-G-A.
Other names: c.1493G>A, p.Arg498His (NM_001378923.1); short protein forms R495H, R498H.
Identifiers: ClinVar variation 2444240 (VCV002444240.2), dbSNP rs1344772039, ClinGen allele CA373372475.
Genomic context (GRCh38, chr9:35,801,690, plus strand): 5'-GCAGTCCTTACAGAAAGCTGATGCTGGAGAAGGAGCTGGCTAGCATGTTGTGGCGTATTC[G>A]CTGGGAAGAACTGCAGTTTGGCAACTCAGAGCGTTATCACAAAGGTGCAGGCAGTCGCCT-3'
Protein context (NP_003986.2, residues 485-505): KELASMLWRI[Arg495His]WEELQFGNSE